The following is an entry in ClinVar:

NM_000152.5(GAA):c.1649G>T (p.Gly550Val)

Gene: GAA (alpha glucosidase; plus strand). Cytogenetic location: 17q25.3.
Variant type: single nucleotide variant.
Coding change: c.1649G>T on transcript NM_000152.5 (MANE Select); coding-DNA position 1649, G replaced by T.
Protein change: p.Gly550Val; replaces glycine 550 with valine.
Molecular consequence: missense variant.
Genome position (GRCh38, 1-based): chr17:80,111,995, G>T. VCF-style: chr17-80111995-G-T. GRCh37 (hg19) VCF-style: chr17-78085794-G-T.
Other names: c.1649G>T, p.Gly550Val (NM_001079803.3, NM_001079804.3); short protein forms G550V.
Identifiers: ClinVar variation 1330939 (VCV001330939.7), dbSNP rs2039246464, ClinGen allele CA401368793.

ClinVar aggregate classification (germline): Uncertain significance (1 of 4 stars; one submission).

Conditions:
Glycogen storage disease, type II (IOPD). Also called: CARDIOMEGALIA GLYCOGENICA DIFFUSA; Glycogen storage disease type 2; Acid maltase deficiency disease; Aglucosidase alfa; Deficiency of alpha-glucosidase; Deficiency of lysosomal alpha-glucosidase. Identifiers: Orphanet 365, MedGen C0017921, MONDO:0009290, OMIM 232300.

Allele frequency attached by ClinVar (database versions not stated): TOPMed 0.00001.

Submission:

ARUP Laboratories, Molecular Genetics and Genomics, ARUP Laboratories
Classification: Uncertain significance for Glycogen storage disease, type II. Last evaluated: 2020-12-21. Review status: criteria provided, single submitter. Criteria: ARUP Molecular Germline Variant Investigation Process 2021. Collection method: clinical testing. Allele origin: germline.
Comment: The GAA c.1649G>T; p.Gly550Val variant, to our knowledge, is not reported in the medical literature or gene-specific databases. This variant is also absent from general population databases (Exome Variant Server, Genome Aggregation Database), indicating it is not a common polymorphism. The glycine at codon 550 is highly conserved, and computational analyses predict that this variant is deleterious (REVEL: 0.766). However, due to limited information, the clinical significance of the p.Gly550Val variant is uncertain at this time.